The following is an entry in ClinVar:

NM_005559.4(LAMA1):c.8608C>T (p.Gln2870Ter)

Gene: LAMA1 (laminin subunit alpha 1; minus strand). Cytogenetic location: 18p11.31.
Variant type: single nucleotide variant.
Coding change: c.8608C>T on transcript NM_005559.4 (MANE Select); coding-DNA position 8608, C replaced by T.
Protein change: p.Gln2870Ter; replaces glutamine 2870 with a stop codon.
Molecular consequence: nonsense.
Genome position (GRCh38, 1-based): chr18:6,948,505, G>A on the plus strand (C>T on the coding strand, the complement: LAMA1 is on the minus strand). VCF-style: chr18-6948505-G-A. GRCh37 (hg19) VCF-style: chr18-6948504-G-A.
Other names: short protein forms Q2870*.
Identifiers: ClinVar variation 4850725 (VCV004850725.2).
Genomic context (GRCh38, chr18:6,948,505, plus strand): 5'-GGGCCACTGCGTAGCACCTGTTCACCGTGAAGGCAGACACCGGGCTGTCCTTGTCCAGCT[G>A]TTTGCTGTTAACCGTCACATCCCCAATGCAGGCAGGGATGCTGTGGGTGATCTAAGCCAA-3'

ClinVar aggregate classification (germline): Likely pathogenic. Review status: criteria provided, multiple submitters, no conflicts (2 of 4 stars). 2 submissions from 2 submitters: Likely pathogenic (2). Last evaluated 2025-10-01.

Conditions:
LAMA1-related disorder. Also called: LAMA1-related disorders; LAMA1-related condition.
Ataxia - intellectual disability - oculomotor apraxia - cerebellar cysts syndrome. Also called: Poretti-Boltshauser syndrome. Identifiers: Orphanet 370022, MedGen C4014821, MONDO:0014419, OMIM 615960.

gnomAD v4.1: 4 of 1,614,064 alleles (0.00025%); highest among the groups gnomAD compares: South Asian, 0.0011%; no homozygotes.

Submissions (2):

Variantyx, Inc.
Classification: Likely pathogenic for Ataxia - intellectual disability - oculomotor apraxia - cerebellar cysts syndrome. Last evaluated: 2025-10-01. Review status: criteria provided, single submitter. Criteria: Variantyx Assertion Criteria 2022. Collection method: clinical testing. Allele origin: germline. Inheritance: Autosomal recessive inheritance. Affected: no.
Comment: This is a nonsense variant in the LAMA1 gene (OMIM: 150320). Pathogenic variants in this gene have been associated with autosomal recessive Poretti-Boltshauser syndrome. This variant introduces a premature termination codon in exon 60 out of 63 and is expected to result in loss of function, which is a known disease mechanism for LAMA1 in this disorder (PVS1) (PMID:25105227). This variant has a 0.0011% maximum allele frequency in non-founder control populations (PM2). Based on the current evidence, this variant is classified as likely pathogenic for autosomal recessive Poretti-Boltshauser syndrome.

Blueprint Genetics
Classification: Likely pathogenic for LAMA1-related disorders. Last evaluated: 2019-11-22. Review status: criteria provided, single submitter. Criteria: ACMG Guidelines, 2015. Collection method: clinical testing. Allele origin: germline. Affected: yes. Observed: 1 variant allele.

Literature cited by the submitters: PubMed 25105227 (cited by Variantyx, Inc.).